The following is an entry in ClinVar:

ClinVar aggregate classification (germline): Uncertain significance (1 of 4 stars; one submission).

gnomAD v4.1: 23 of 1,613,666 alleles (0.0014%); highest among the groups gnomAD compares: East Asian, 0.051%; no homozygotes.

Submission:

Labcorp Genetics (formerly Invitae), Labcorp
Classification: Uncertain significance. Last evaluated: 2025-03-23. Review status: criteria provided, single submitter. Criteria: Invitae Variant Classification Sherloc (09022015). Collection method: clinical testing. Allele origin: germline.
Comment: This sequence change replaces arginine, which is basic and polar, with leucine, which is neutral and non-polar, at codon 823 of the PCLO protein (p.Arg823Leu). This variant is present in population databases (rs201550435, gnomAD 0.04%). This variant has not been reported in the literature in individuals affected with PCLO-related conditions. ClinVar contains an entry for this variant (Variation ID: 1966933). Experimental studies and prediction algorithms are not available or were not evaluated, and the functional significance of this variant is currently unknown. In summary, the available evidence is currently insufficient to determine the role of this variant in disease. Therefore, it has been classified as a Variant of Uncertain Significance.

NM_033026.6(PCLO):c.2468G>T (p.Arg823Leu)

Gene: PCLO (piccolo presynaptic cytomatrix protein; minus strand). Cytogenetic location: 7q21.11.
Variant type: single nucleotide variant.
Coding change: c.2468G>T on transcript NM_033026.6 (MANE Select); coding-DNA position 2468, G replaced by T.
Protein change: p.Arg823Leu; replaces arginine 823 with leucine.
Molecular consequence: missense variant.
Genome position (GRCh38, 1-based): chr7:83,135,082, C>A on the plus strand (G>T on the coding strand, the complement: PCLO is on the minus strand). VCF-style: chr7-83135082-C-A. GRCh37 (hg19) VCF-style: chr7-82764398-C-A.
Other names: c.2468G>T, p.Arg823Leu (NM_014510.3); short protein forms R823L.
Identifiers: ClinVar variation 1966933 (VCV001966933.5), dbSNP rs201550435, ClinGen allele CA4321257.